The following is an entry in ClinVar:

ClinVar aggregate classification (germline): Uncertain significance. Review status: criteria provided, multiple submitters, no conflicts (2 of 4 stars). 2 submissions from 2 submitters: Uncertain significance (2). Last evaluated 2022-11-21.

Conditions:
Primary ciliary dyskinesia 30. Also called: CILIARY DYSKINESIA, PRIMARY, 30, WITH OR WITHOUT SITUS INVERSUS. Identifiers: Orphanet 244, MedGen C4015016, MONDO:0014465, OMIM 616037.
Inborn genetic diseases. Identifiers: MedGen C0950123, MeSH D030342.

Allele frequency attached by ClinVar (database versions not stated): gnomAD 0.00007; TOPMed 0.00007; ExAC 0.00008; gnomAD exomes 0.00012.
gnomAD v4.1: 99 of 1,609,196 alleles (0.0062%); highest among the groups gnomAD compares: Admixed American, 0.022%; no homozygotes.

Submissions (2):

Ambry Genetics
Classification: Uncertain significance for Inborn genetic diseases. Last evaluated: 2022-11-21. Review status: criteria provided, single submitter. Criteria: Ambry Variant Classification Scheme 2023. Collection method: clinical testing. Allele origin: germline.

Labcorp Genetics (formerly Invitae), Labcorp
Classification: Uncertain significance for Primary ciliary dyskinesia 30. Last evaluated: 2022-07-22. Review status: criteria provided, single submitter. Criteria: Invitae Variant Classification Sherloc (09022015). Collection method: clinical testing. Allele origin: germline.
Comment: This sequence change replaces alanine, which is neutral and non-polar, with proline, which is neutral and non-polar, at codon 203 of the CCDC151 protein (p.Ala203Pro). This variant is present in population databases (rs755774292, gnomAD 0.2%). This variant has not been reported in the literature in individuals affected with CCDC151-related conditions. ClinVar contains an entry for this variant (Variation ID: 1682782). Algorithms developed to predict the effect of missense changes on protein structure and function are either unavailable or do not agree on the potential impact of this missense change (SIFT: "Tolerated"; PolyPhen-2: "Probably Damaging"; Align-GVGD: "Class C0"). Algorithms developed to predict the effect of sequence changes on RNA splicing suggest that this variant may create or strengthen a splice site. In summary, the available evidence is currently insufficient to determine the role of this variant in disease. Therefore, it has been classified as a Variant of Uncertain Significance.

NM_145045.5(ODAD3):c.607G>C (p.Ala203Pro)

Gene: ODAD3 (outer dynein arm docking complex subunit 3; minus strand). Cytogenetic location: 19p13.2.
Variant type: single nucleotide variant.
Coding change: c.607G>C on transcript NM_145045.5 (MANE Select); coding-DNA position 607, G replaced by C.
Protein change: p.Ala203Pro; replaces alanine 203 with proline.
Molecular consequence: missense variant.
Genome position (GRCh38, 1-based): chr19:11,426,878, C>G on the plus strand (G>C on the coding strand, the complement: ODAD3 is on the minus strand). VCF-style: chr19-11426878-C-G. GRCh37 (hg19) VCF-style: chr19-11537698-C-G.
Other names: c.445G>C, p.Ala149Pro (NM_001302453.1); c.529G>C, p.Ala177Pro (NM_001302454.2); c.607G>C (NM_145045.4); short protein forms A149P, A177P, A203P.
Identifiers: ClinVar variation 1682782 (VCV001682782.6), dbSNP rs755774292, ClinGen allele CA9212350.